The following is an entry in ClinVar:

NM_006846.4(SPINK5):c.2759G>C (p.Arg920Pro)

Gene: SPINK5 (serine peptidase inhibitor Kazal type 5; plus strand). Cytogenetic location: 5q32.
Variant type: single nucleotide variant.
Coding change: c.2759G>C on transcript NM_006846.4 (MANE Select); coding-DNA position 2759, G replaced by C.
Protein change: p.Arg920Pro; replaces arginine 920 with proline.
Molecular consequence: missense variant.
Genome position (GRCh38, 1-based): chr5:148,125,742, G>C. VCF-style: chr5-148125742-G-C. GRCh37 (hg19) VCF-style: chr5-147505305-G-C.
Other names: c.2849G>C, p.Arg950Pro (NM_001127698.2); short protein forms R920P, R950P.
Identifiers: ClinVar variation 1045841 (VCV001045841.11), dbSNP rs371134163, ClinGen allele CA3496138.

ClinVar aggregate classification (germline): Uncertain significance (1 of 4 stars; one submission).

Conditions:
Ichthyosis linearis circumflexa. Identifiers: MedGen C0265962, MONDO:0043106, HP:0025810.

Allele frequency attached by ClinVar (database versions not stated): TOPMed 0.00001; ESP Exome Variant Server 0.00008.
gnomAD v4.1: 3 of 1,613,980 alleles (0.00019%); highest among the groups gnomAD compares: Non-Finnish European, 0.00025%; no homozygotes.

Submission:

Labcorp Genetics (formerly Invitae), Labcorp
Classification: Uncertain significance for Ichthyosis linearis circumflexa. Last evaluated: 2022-08-16. Review status: criteria provided, single submitter. Criteria: Invitae Variant Classification Sherloc (09022015). Collection method: clinical testing. Allele origin: germline.
Comment: In summary, the available evidence is currently insufficient to determine the role of this variant in disease. Therefore, it has been classified as a Variant of Uncertain Significance. Algorithms developed to predict the effect of missense changes on protein structure and function are either unavailable or do not agree on the potential impact of this missense change (SIFT: "Deleterious"; PolyPhen-2: "Probably Damaging"; Align-GVGD: "Class C0"). ClinVar contains an entry for this variant (Variation ID: 1045841). This variant has not been reported in the literature in individuals affected with SPINK5-related conditions. This variant is not present in population databases (gnomAD no frequency). This sequence change replaces arginine, which is basic and polar, with proline, which is neutral and non-polar, at codon 920 of the SPINK5 protein (p.Arg920Pro).